The following is an entry in ClinVar:

ClinVar aggregate classification (germline): Pathogenic (1 of 4 stars; one submission).

Conditions:
Autosomal recessive spinocerebellar ataxia 10. Identifiers: Orphanet 284289, MedGen C3150998, MONDO:0013392, OMIM 613728.

gnomAD v4.1: 2 of 1,613,986 alleles (0.00012%); highest among the groups gnomAD compares: African/African-American, 0.0027%; no homozygotes.

Submission:

Myriad Genetics, Inc.
Classification: Pathogenic for Autosomal recessive spinocerebellar ataxia 10. Last evaluated: 2024-05-11. Review status: criteria provided, single submitter. Criteria: Myriad Autosomal Dominant, Autosomal Recessive and X-Linked Classification Criteria (2023). Collection method: clinical testing. Allele origin: unknown.
Comment: NM_018075.3(ANO10):c.1157C>A(S386*) is expected to be pathogenic in the context of spinocerebellar ataxia, ANO10-related. This variant is predicted to lead to an abnormal or absent protein product due to the creation of a premature termination codon in ANO10, a gene where loss-of-function variants are known to be pathogenic. Please note: this variant was assessed in the context of healthy population screening.

NM_018075.5(ANO10):c.1157C>A (p.Ser386Ter)

Gene: ANO10 (anoctamin 10; minus strand). Cytogenetic location: 3p22.1.
Variant type: single nucleotide variant.
Coding change: c.1157C>A on transcript NM_018075.5 (MANE Select); coding-DNA position 1157, C replaced by A.
Protein change: p.Ser386Ter; replaces serine 386 with a stop codon.
Molecular consequence: nonsense. On other transcripts: intron variant (1).
Genome position (GRCh38, 1-based): chr3:43,576,697, G>T on the plus strand (C>A on the coding strand, the complement: ANO10 is on the minus strand). VCF-style: chr3-43576697-G-T. GRCh37 (hg19) VCF-style: chr3-43618189-G-T.
Other names: c.1157C>A, p.Ser386Ter (NM_001204831.3, NM_001346463.2, NM_001346464.2 and 3 more transcripts); c.959C>A, p.Ser320Ter (NM_001204832.3, NM_001346466.2, NM_001346469.2); c.824C>A, p.Ser275Ter (NM_001204833.3); c.593-1833C>A (NM_001204834.3); short protein forms S275*, S320*, S386*.
Identifiers: ClinVar variation 5013039 (VCV005013039.1).